The following is an entry in ClinVar:

NM_001364905.1(LRBA):c.4348G>A (p.Val1450Ile)

Gene: LRBA (LPS responsive beige-like anchor protein; minus strand). Cytogenetic location: 4q31.3.
Variant type: single nucleotide variant.
Coding change: c.4348G>A on transcript NM_001364905.1 (MANE Select); coding-DNA position 4348, G replaced by A.
Protein change: p.Val1450Ile; replaces valine 1450 with isoleucine.
Molecular consequence: missense variant.
Genome position (GRCh38, 1-based): chr4:150,844,771, C>T on the plus strand (G>A on the coding strand, the complement: LRBA is on the minus strand). VCF-style: chr4-150844771-C-T. GRCh37 (hg19) VCF-style: chr4-151765923-C-T.
Other names: c.4348G>A, p.Val1450Ile (NM_001199282.3, NM_001367550.1, NM_006726.5); short protein forms V1450I.
Identifiers: ClinVar variation 1393630 (VCV001393630.8), dbSNP rs1434441741, ClinGen allele CA358451079.

ClinVar aggregate classification (germline): Uncertain significance (1 of 4 stars; one submission).

Conditions:
Combined immunodeficiency due to LRBA deficiency. Also called: Common variable immunodeficiency 8, with autoimmunity. Identifiers: Orphanet 445018, MedGen C3553512, MONDO:0013863, OMIM 614700.

Allele frequency attached by ClinVar (database versions not stated): TOPMed 0.00001.
gnomAD v4.1: 1 of 1,609,078 alleles (0.000062%); highest among the groups gnomAD compares: African/African-American, 0.0013%; no homozygotes.

Submission:

Labcorp Genetics (formerly Invitae), Labcorp
Classification: Uncertain significance for Combined immunodeficiency due to LRBA deficiency. Last evaluated: 2024-02-24. Review status: criteria provided, single submitter. Criteria: Invitae Variant Classification Sherloc (09022015). Collection method: clinical testing. Allele origin: germline.
Comment: This sequence change replaces valine, which is neutral and non-polar, with isoleucine, which is neutral and non-polar, at codon 1450 of the LRBA protein (p.Val1450Ile). This variant is not present in population databases (gnomAD no frequency). This variant has not been reported in the literature in individuals affected with LRBA-related conditions. ClinVar contains an entry for this variant (Variation ID: 1393630). Advanced modeling of protein sequence and biophysical properties (such as structural, functional, and spatial information, amino acid conservation, physicochemical variation, residue mobility, and thermodynamic stability) performed at Invitae indicates that this missense variant is not expected to disrupt LRBA protein function with a negative predictive value of 80%. In summary, the available evidence is currently insufficient to determine the role of this variant in disease. Therefore, it has been classified as a Variant of Uncertain Significance.